The following is an entry in ClinVar:

ClinVar aggregate classification (germline): Uncertain significance (1 of 4 stars; one submission).

Conditions:
Gastrointestinal stromal tumor. Also called: Gastrointestinal stromal tumor, somatic; Gastrointestinal stroma tumor. Identifiers: Orphanet 44890, MedGen C0238198, MeSH D046152, MONDO:0011719, OMIM 606764, HP:0100723.

Submission:

Labcorp Genetics (formerly Invitae), Labcorp
Classification: Uncertain significance for Gastrointestinal stromal tumor. Last evaluated: 2022-11-08. Review status: criteria provided, single submitter. Criteria: Invitae Variant Classification Sherloc (09022015). Collection method: clinical testing. Allele origin: germline.
Comment: This sequence change replaces serine, which is neutral and polar, with leucine, which is neutral and non-polar, at codon 709 of the KIT protein (p.Ser709Leu). This variant is not present in population databases (gnomAD no frequency). This variant has not been reported in the literature in individuals affected with KIT-related conditions. ClinVar contains an entry for this variant (Variation ID: 1035477). Algorithms developed to predict the effect of missense changes on protein structure and function are either unavailable or do not agree on the potential impact of this missense change (SIFT: "Deleterious"; PolyPhen-2: "Benign"; Align-GVGD: "Class C15"). In summary, the available evidence is currently insufficient to determine the role of this variant in disease. Therefore, it has been classified as a Variant of Uncertain Significance.

NM_000222.3(KIT):c.2126C>T (p.Ser709Leu)

Gene: KIT (KIT proto-oncogene, receptor tyrosine kinase; plus strand). Cytogenetic location: 4q12.
Variant type: single nucleotide variant.
Coding change: c.2126C>T on transcript NM_000222.3 (MANE Select); coding-DNA position 2126, C replaced by T.
Protein change: p.Ser709Leu; replaces serine 709 with leucine.
Molecular consequence: missense variant.
Genome position (GRCh38, 1-based): chr4:54,729,470, C>T. VCF-style: chr4-54729470-C-T. GRCh37 (hg19) VCF-style: chr4-55595636-C-T.
Other names: c.2114C>T, p.Ser705Leu (NM_001093772.2, NM_001385286.1); c.2129C>T, p.Ser710Leu (NM_001385284.1, NM_001385290.1); c.2126C>T, p.Ser709Leu (NM_001385285.1); c.2117C>T, p.Ser706Leu (NM_001385288.1, NM_001385292.1); short protein forms S705L, S706L, S710L, S709L.
Identifiers: ClinVar variation 1035477 (VCV001035477.9), dbSNP rs1722451112, ClinGen allele CA356909861.